The following is an entry in ClinVar:

NM_006939.4(SOS2):c.1127C>T (p.Thr376Ile)

Gene: SOS2 (SOS Ras/Rho guanine nucleotide exchange factor 2; minus strand). Cytogenetic location: 14q21.3.
Variant type: single nucleotide variant.
Coding change: c.1127C>T on transcript NM_006939.4 (MANE Select); coding-DNA position 1127, C replaced by T.
Protein change: p.Thr376Ile; replaces threonine 376 with isoleucine.
Molecular consequence: missense variant.
Genome position (GRCh38, 1-based): chr14:50,161,551, G>A on the plus strand (C>T on the coding strand, the complement: SOS2 is on the minus strand). VCF-style: chr14-50161551-G-A. GRCh37 (hg19) VCF-style: chr14-50628269-G-A.
Other names: c.1028C>T, p.Thr343Ile (NM_001411020.1); short protein forms T343I, T376I.
Identifiers: ClinVar variation 2821826 (VCV002821826.3), dbSNP rs869320687, ClinGen allele CA389646506.

ClinVar aggregate classification (germline): Likely pathogenic (1 of 4 stars; one submission).

Conditions:
Noonan syndrome 9 (NS9). Identifiers: Orphanet 648, MedGen C4225282, MONDO:0014691, OMIM 616559.

Submission:

Labcorp Genetics (formerly Invitae), Labcorp
Classification: Likely pathogenic for Noonan syndrome 9. Last evaluated: 2022-12-17. Review status: criteria provided, single submitter. Criteria: Invitae Variant Classification Sherloc (09022015). Collection method: clinical testing. Allele origin: germline.
Comment: In summary, the currently available evidence indicates that the variant is pathogenic, but additional data are needed to prove that conclusively. Therefore, this variant has been classified as Likely Pathogenic. This variant disrupts the p.Thr376 amino acid residue in SOS2. Other variant(s) that disrupt this residue have been determined to be pathogenic (PMID: 25795793, 26173643). This suggests that this residue is clinically significant, and that variants that disrupt this residue are likely to be disease-causing. Advanced modeling of protein sequence and biophysical properties (such as structural, functional, and spatial information, amino acid conservation, physicochemical variation, residue mobility, and thermodynamic stability) performed at Invitae indicates that this missense variant is expected to disrupt SOS2 protein function. This variant has not been reported in the literature in individuals affected with SOS2-related conditions. This variant is not present in population databases (gnomAD no frequency). This sequence change replaces threonine, which is neutral and polar, with isoleucine, which is neutral and non-polar, at codon 376 of the SOS2 protein (p.Thr376Ile).

Literature cited by the submitters: PubMed 25795793; PubMed 26173643.